The following is an entry in ClinVar:

NM_001122769.3(LCA5):c.1912A>G (p.Asn638Asp)

Gene: LCA5 (lebercilin LCA5; minus strand). Cytogenetic location: 6q14.1.
Variant type: single nucleotide variant.
Coding change: c.1912A>G on transcript NM_001122769.3 (MANE Select); coding-DNA position 1912, A replaced by G.
Protein change: p.Asn638Asp; replaces asparagine 638 with aspartic acid.
Molecular consequence: missense variant.
Genome position (GRCh38, 1-based): chr6:79,487,186, T>C on the plus strand (A>G on the coding strand, the complement: LCA5 is on the minus strand). VCF-style: chr6-79487186-T-C. GRCh37 (hg19) VCF-style: chr6-80196903-T-C.
Other names: c.1912A>G, p.Asn638Asp (NM_181714.4); short protein forms N638D.
Identifiers: ClinVar variation 847709 (VCV000847709.18), dbSNP rs371962473, ClinGen allele CA3900753.

ClinVar aggregate classification (germline): Uncertain significance. Review status: criteria provided, multiple submitters, no conflicts (2 of 4 stars). 4 submissions from 4 submitters: Uncertain significance (3). 1 of the submissions does not count toward it. Last evaluated 2025-08-01.

Conditions:
Retinal dystrophy. Also called: Inherited retinal dystrophy. Identifiers: Orphanet 71862, MedGen C0854723, MeSH D058499, MONDO:0019118, HP:0000556.
Leber congenital amaurosis (LCA). Also called: Leber's amaurosis. Identifiers: Orphanet 65, MedGen C0339527, MeSH D057130, MONDO:0018998.

Allele frequency attached by ClinVar (database versions not stated): gnomAD exomes 0.00006 and 0.00008; ExAC 0.00007; ESP Exome Variant Server 0.00008; gnomAD 0.00009 and 0.00011; TOPMed 0.00009.
gnomAD v4.1: 101 of 1,613,950 alleles (0.0063%); highest among the groups gnomAD compares: Admixed American, 0.023%; 1 homozygote.

Submissions (4):

CeGaT Center for Human Genetics Tuebingen
Classification: Uncertain significance. Last evaluated: 2025-08-01. Review status: criteria provided, single submitter. Criteria: CeGaT Center For Human Genetics Tuebingen Variant Classification Criteria Version 2. Collection method: clinical testing. Allele origin: germline. Affected: yes. Observed: 2 variant alleles.
Comment: LCA5: PM2, PM3, BP4

Labcorp Genetics (formerly Invitae), Labcorp
Classification: Uncertain significance. Last evaluated: 2022-07-26. Review status: criteria provided, single submitter. Criteria: Invitae Variant Classification Sherloc (09022015). Collection method: clinical testing. Allele origin: germline.
Comment: This sequence change replaces asparagine, which is neutral and polar, with aspartic acid, which is acidic and polar, at codon 638 of the LCA5 protein (p.Asn638Asp). This variant is present in population databases (rs371962473, gnomAD 0.01%). This variant has not been reported in the literature in individuals affected with LCA5-related conditions. ClinVar contains an entry for this variant (Variation ID: 847709). Algorithms developed to predict the effect of missense changes on protein structure and function output the following: SIFT: "Tolerated"; PolyPhen-2: "Benign"; Align-GVGD: "Class C0". The aspartic acid amino acid residue is found in multiple mammalian species, which suggests that this missense change does not adversely affect protein function. Algorithms developed to predict the effect of sequence changes on RNA splicing suggest that this variant may create or strengthen a splice site. In summary, the available evidence is currently insufficient to determine the role of this variant in disease. Therefore, it has been classified as a Variant of Uncertain Significance.

Institute of Human Genetics, Univ. Regensburg, Univ. Regensburg
Classification: Uncertain significance for Retinal dystrophy. Last evaluated: 2022-01-01. Review status: criteria provided, single submitter. Criteria: ACMG Guidelines, 2015. Collection method: clinical testing. Allele origin: germline. Affected: yes.

Natera, Inc.
Classification: Uncertain significance for Leber congenital amaurosis. Last evaluated: 2020-01-24. Review status: no assertion criteria provided. Collection method: clinical testing. Allele origin: germline. Not counted in ClinVar's aggregate classification.

Literature cited by the submitters: PubMed 32483926 (cited by Institute of Human Genetics, Univ. Regensburg, Univ. Regensburg).